The following is an entry in ClinVar:

NM_020166.5(MCCC1):c.1978-8del

Gene: MCCC1 (methylcrotonyl-CoA carboxylase subunit 1; minus strand). Cytogenetic location: 3q27.1.
Variant type: Deletion.
Coding change: c.1978-8del on transcript NM_020166.5 (MANE Select); 8 bases into the intron before coding-DNA position 1978, one base deleted (A; older notation c.1978-8delA).
Molecular consequence: intron variant.
Genome position (GRCh38, 1-based): chr3:183,017,345, T deleted on the plus strand (A on the coding strand, the reverse complement: MCCC1 is on the minus strand); the first of 2 consecutive T bases (chr3:183,017,345-183,017,346); deleting either gives the same sequence. VCF-style (leftmost placement, unchanged base first): chr3-183017344-AT-A. GRCh37 (hg19) VCF-style: chr3-182735132-AT-A.
Other names: c.1651-8del (NM_001363880.1); c.1627-8del (NM_001293273.2); c.1978-8delA (NM_020166.4).
Identifiers: ClinVar variation 1160369 (VCV001160369.11), dbSNP rs747001867, ClinGen allele CA2718589.

ClinVar aggregate classification (germline): Likely benign. Review status: criteria provided, single submitter (1 of 4 stars). 2 submissions from 2 submitters: Likely benign (1). 1 of the submissions does not count toward it. Last evaluated 2025-11-25.

Conditions:
3-methylcrotonyl-CoA carboxylase 1 deficiency (MCC1D). Also called: MCCD TYPE 1; METHYLCROTONYLGLYCINURIA TYPE I; MCC 1 deficiency; 3 Alpha methylcrotonylglycinuria 1. Identifiers: Orphanet 6, MedGen CN028786, MONDO:0008861, OMIM 210200.
MCCC1-related disorder. Also called: MCCC1-related condition.

Submissions (2):

Labcorp Genetics (formerly Invitae), Labcorp
Classification: Likely benign for 3-methylcrotonyl-CoA carboxylase 1 deficiency. Last evaluated: 2025-11-25. Review status: criteria provided, single submitter. Criteria: Invitae Variant Classification Sherloc (09022015). Collection method: clinical testing. Allele origin: germline.

PreventionGenetics, part of Exact Sciences
Classification: Likely benign for MCCC1-related condition. Last evaluated: 2019-07-26. Review status: no assertion criteria provided. Collection method: clinical testing. Allele origin: germline. Not counted in ClinVar's aggregate classification.
Comment: This variant is classified as likely benign based on ACMG/AMP sequence variant interpretation guidelines (Richards et al. 2015 PMID: 25741868, with internal and published modifications).